The following is an entry in ClinVar:

ClinVar aggregate classification (germline): Pathogenic (1 of 4 stars; one submission).

Conditions:
Pitt-Hopkins syndrome (PTHS). Also called: ENCEPHALOPATHY, SEVERE EPILEPTIC, WITH AUTONOMIC DYSFUNCTION; MENTAL RETARDATION, SYNDROMAL, WITH INTERMITTENT HYPERVENTILATION. Identifiers: Orphanet 2896, MedGen C1970431, MONDO:0012589, OMIM 610954.

Submission:

Labcorp Genetics (formerly Invitae), Labcorp
Classification: Pathogenic for Pitt-Hopkins syndrome. Last evaluated: 2022-03-23. Review status: criteria provided, single submitter. Criteria: Invitae Variant Classification Sherloc (09022015). Collection method: clinical testing. Allele origin: germline.
Comment: This sequence change creates a premature translational stop signal (p.Cys296Leufs*11) in the TCF4 gene. It is expected to result in an absent or disrupted protein product. Loss-of-function variants in TCF4 are known to be pathogenic (PMID: 18728071, 22045651). This variant is not present in population databases (gnomAD no frequency). For these reasons, this variant has been classified as Pathogenic. This variant has not been reported in the literature in individuals affected with TCF4-related conditions.

Literature cited by the submitters: PubMed 18728071; PubMed 22045651.

NM_001083962.2(TCF4):c.887del (p.Cys296fs)

Genes: TCF4 (transcription factor 4; minus strand), LOC126862757 (CDK7 strongly-dependent group 2 enhancer GRCh37_chr18:52936433-52937632; plus strand). Cytogenetic location: 18q21.2.
Variant type: Deletion.
Coding change: c.887del on transcript NM_001083962.2 (MANE Select); coding-DNA position 887, one base deleted (G; older notation c.887delG).
Protein change: p.Cys296fs; shifts the reading frame from cysteine 296.
Molecular consequence: frameshift variant.
Genome position (GRCh38, 1-based): chr18:55,269,866, C deleted on the plus strand (G on the coding strand, the reverse complement: TCF4 is on the minus strand). VCF-style (leftmost placement, unchanged base first): chr18-55269865-AC-A. GRCh37 (hg19) VCF-style: chr18-52937096-AC-A.
Other names: c.1193del, p.Cys398fs (NM_001243226.3); c.815del, p.Cys272fs (NM_001243227.2, NM_001348217.1, NM_001348218.2 and 9 more transcripts); c.905del, p.Cys302fs (NM_001243228.2); c.497del, p.Cys166fs (NM_001330605.3, NM_001348212.2, NM_001348213.2 and 1 more transcripts); c.761del, p.Cys254fs (NM_001348211.2, NM_001243231.2); c.407del, p.Cys136fs (NM_001348214.2, NM_001348216.2, NM_001243234.2 and 2 more transcripts); c.239del, p.Cys80fs (NM_001348215.2); c.812del, p.Cys271fs (NM_001348220.1, NM_001369576.1, NM_001369578.1 and 3 more transcripts); and 4 more; short protein forms C166fs, C254fs, C80fs, C272fs, C295fs, C296fs, C398fs, C136fs.
Identifiers: ClinVar variation 1454032 (VCV001454032.6), dbSNP rs2145956310, ClinGen allele CA2573155430.
Genomic context (GRCh38, chr18:55,269,865, plus strand): 5'-TCAGAATTGGCATTTCTGTGACTCACCCATTATACTGTCTGTCCCGTTGGCAGGAGGCGT[AC>A]AGGAAGAGGTGCTGTAATGGTTTGTACCACTACGATGGAAAGTGGACATCGGAGGAAGAC-3'